The following is an entry in ClinVar:

ClinVar aggregate classification (germline): Pathogenic. Review status: reviewed by expert panel (3 of 4 stars). 3 submissions from 3 submitters: Pathogenic (1). 2 of the submissions do not count toward it. Last evaluated 2024-08-27.

Conditions:
Actin accumulation myopathy (CMYO2A). Also called: Nemaline myopathy type 3; Myopathy, actin, congenital, with excess of thin myofilaments; CONGENITAL MYOPATHY 2A, TYPICAL, AUTOSOMAL DOMINANT; Myopathy, actin, congenital, with cores; Nemaline myopathy 3, with intranuclear rods. Identifiers: Orphanet 98904, MedGen C3711389, MONDO:0008070, OMIM 161800.
Alpha-actinopathy. Also called: Actinopathy. Identifiers: MedGen CN295279, MONDO:0100084.

Submissions (3):

ClinGen Congenital Myopathies Variant Curation Expert Panel, ClinGen
Classification: Pathogenic for Alpha-actinopathy. Last evaluated: 2024-08-27. Review status: reviewed by expert panel. Criteria: ClinGen CongenMyopathy ACMG Specifications ACTA1_AD_ V2.0.0. Collection method: curation. Allele origin: germline. Inheritance: Autosomal dominant inheritance.
Comment: The c.1106C>T (p.Pro369Leu) variant in ACTA1 is a missense variant predicted to cause substitution of proline by leucine at amino acid 369. This variant is absent from gnomAD v4.1.1 (PM2_Supporting). The computational predictor REVEL gives a score of 0.922, which is above the threshold of 0.7, evidence that correlates with impact to ACTA1 function (PP3). ACTA1, in which the variant was identified, is defined by the ClinGen Congenital Myopathies VCEP as a gene that has a low rate of benign missense variation and where pathogenic missense variants are a common mechanism of disease (PP2). This variant has been reported in 4 probands with nemaline myopathy, 1 with nemaline rods (PS4_Moderate; PMIDs: 19562689, 26172852; ClinVar SCVs: SCV000589626.2, SCV002287790.1; Internal lab contributors: GeneDx, Invitae). At least one patient with this variant displayed nemaline rods and type 1 fiber predominance, which is highly specific for alpha-actinopathy (PP4_Moderate, PMID: 26172852). The variant has been reported to segregate with autosomal dominant nemaline myopathy in 3 affected family members from 1 family (PP1; ClinVar SCV: SCV000589626.2, Internal lab contributors: GeneDx). In summary, this variant meets the criteria to be classified as pathogenic for autosomal dominant alpha-actinopathy based on the ACMG/AMP criteria applied, as specified by the ClinGen Congenital Myopathies VCEP: PP4_Strong, PS4_Moderate, PM2_Supporting, PP1, PP2, PP3. (Congenital Myopathies VCEP specifications version 2; 08/27/2024)

Labcorp Genetics (formerly Invitae), Labcorp
Classification: Likely pathogenic for Actin accumulation myopathy. Last evaluated: 2021-09-05. Review status: criteria provided, single submitter. Criteria: Invitae Variant Classification Sherloc (09022015). Collection method: clinical testing. Allele origin: germline. Not counted in ClinVar's aggregate classification.
Comment: This sequence change replaces proline with leucine at codon 369 of the ACTA1 protein (p.Pro369Leu). The proline residue is highly conserved and there is a moderate physicochemical difference between proline and leucine. This variant is not present in population databases (ExAC no frequency). This missense change has been observed in individuals with autosomal dominant ACTA1-related conditions (PMID: 19562689, 26172852). ClinVar contains an entry for this variant (Variation ID: 431989). Advanced modeling of protein sequence and biophysical properties (such as structural, functional, and spatial information, amino acid conservation, physicochemical variation, residue mobility, and thermodynamic stability) performed at Invitae indicates that this missense variant is expected to disrupt ACTA1 protein function. In summary, the currently available evidence indicates that the variant is pathogenic, but additional data are needed to prove that conclusively. Therefore, this variant has been classified as Likely Pathogenic.

GeneDx
Classification: Likely pathogenic. Last evaluated: 2019-05-29. Review status: criteria provided, single submitter. Criteria: GeneDx Variant Classification Process June 2021. Collection method: clinical testing. Allele origin: germline. Affected: yes. Not counted in ClinVar's aggregate classification.
Comment: The majority of missense variants in this gene are considered pathogenic (Stenson et al., 2014); Not observed in large population cohorts (Lek et al., 2016); In silico analysis, which includes protein predictors and evolutionary conservation, supports a deleterious effect; This variant is associated with the following publications: (PMID: 26172852, 19562689)

Literature cited by the submitters: PubMed 19562689 (cited by Labcorp Genetics (formerly Invitae), Labcorp); PubMed 26172852 (cited by Labcorp Genetics (formerly Invitae), Labcorp).

NM_001100.4(ACTA1):c.1106C>T (p.Pro369Leu)

Gene: ACTA1 (actin alpha 1, skeletal muscle; minus strand). Cytogenetic location: 1q42.13.
Variant type: single nucleotide variant.
Coding change: c.1106C>T on transcript NM_001100.4 (MANE Select); coding-DNA position 1106, C replaced by T.
Protein change: p.Pro369Leu; replaces proline 369 with leucine.
Molecular consequence: missense variant.
Genome position (GRCh38, 1-based): chr1:229,431,527, G>A on the plus strand (C>T on the coding strand, the complement: ACTA1 is on the minus strand). VCF-style: chr1-229431527-G-A. GRCh37 (hg19) VCF-style: chr1-229567274-G-A.
Other names: NM_001100.4(ACTA1):c.1106C>T; p.Pro369Leu; short protein forms P369L.
Identifiers: ClinVar variation 431989 (VCV000431989.10), dbSNP rs1553255293, ClinGen allele CA345144203.